The following is an entry in ClinVar:

NM_000020.3(ACVRL1):c.905T>C (p.Leu302Pro)

Gene: ACVRL1 (activin A receptor like type 1; plus strand). Cytogenetic location: 12q13.13.
Variant type: single nucleotide variant.
Coding change: c.905T>C on transcript NM_000020.3 (MANE Select); coding-DNA position 905, T replaced by C.
Protein change: p.Leu302Pro; replaces leucine 302 with proline.
Molecular consequence: missense variant.
Genome position (GRCh38, 1-based): chr12:51,915,357, T>C. VCF-style: chr12-51915357-T-C. GRCh37 (hg19) VCF-style: chr12-52309141-T-C.
Other names: c.905T>C, p.Leu302Pro (NM_001077401.2); short protein forms L302P.
Identifiers: ClinVar variation 617959 (VCV000617959.14), dbSNP rs1565594217, ClinGen allele CA384900900.

ClinVar aggregate classification (germline): Conflicting classifications of pathogenicity. Review status: criteria provided, conflicting classifications (1 of 4 stars). 5 submissions from 5 submitters: Likely pathogenic (2); Uncertain significance (3). Last evaluated 2024-12-05.

Conditions:
Telangiectasia, hereditary hemorrhagic, type 2 (HHT2). Also called: ACVRL1-Related Hereditary Hemorrhagic Telangiectasia; Telangiectasia, hereditary hemorrhagic, type II. Identifiers: Orphanet 774, MedGen C1838163, MONDO:0010880, OMIM 600376. Disease mechanism: loss of function.
Cardiovascular phenotype. Identifiers: MedGen CN230736.

Submissions (5):

GeneDx
Classification: Uncertain significance. Last evaluated: 2024-12-05. Review status: criteria provided, single submitter. Criteria: GeneDx Variant Classification Process June 2021. Collection method: clinical testing. Allele origin: germline. Affected: yes.
Comment: Identified in a patient with HHT in published literature (PMID: 32573726); Not observed at significant frequency in large population cohorts (gnomAD); In silico analysis supports that this missense variant has a deleterious effect on protein structure/function; This variant is associated with the following publications: (PMID: 32573726)

Ambry Genetics
Classification: Likely pathogenic for Cardiovascular phenotype. Last evaluated: 2022-11-14. Review status: criteria provided, single submitter. Criteria: Ambry Variant Classification Scheme 2023. Collection method: clinical testing. Allele origin: germline.
Comment: The p.L302P variant (also known as c.905T>C), located in coding exon 6 of the ACVRL1 gene, results from a T to C substitution at nucleotide position 905. The leucine at codon 302 is replaced by proline, an amino acid with similar properties. This variant has been detected in multiple individuals with clinical features of hereditary hemorrhagic telangiectasia in the literature and at other laboratories (Shovlin CL et al. Blood, 2020 10;136:1907-1918). Based on internal structural analysis, L302P is moderately destabilizing to the local structure and more deleterious than nearby likely pathogenic variants (Kerr G et al. Angiogenesis, 2015 Apr;18:209-17). This amino acid position is highly conserved through mammals but not in all available vertebrate species. In addition, this alteration is predicted to be deleterious by in silico analysis. Based on the majority of available evidence to date, this variant is likely to be pathogenic.

Labcorp Genetics (formerly Invitae), Labcorp
Classification: Uncertain significance for Hereditary hemorrhagic telangiectasia type 2. Last evaluated: 2019-10-07. Review status: criteria provided, single submitter. Criteria: Invitae Variant Classification Sherloc (09022015). Collection method: clinical testing. Allele origin: germline.
Comment: This sequence change replaces leucine with proline at codon 302 of the ACVRL1 protein (p.Leu302Pro). The leucine residue is highly conserved and there is a moderate physicochemical difference between leucine and proline. This variant is not present in population databases (ExAC no frequency). Algorithms developed to predict the effect of missense changes on protein structure and function (SIFT, PolyPhen-2, Align-GVGD) all suggest that this variant is likely to be disruptive, but these predictions have not been confirmed by published functional studies and their clinical significance is uncertain. This variant disrupts the p.Leu302 amino acid residue in ACVRL1. Other variant(s) that disrupt this residue have been observed in individuals with ACVRL1-related conditions (PMID: 15880681), which suggests that this may be a clinically significant amino acid residue. In summary, the available evidence is currently insufficient to determine the role of this variant in disease. Therefore, it has been classified as a Variant of Uncertain Significance.

NIHR Bioresource Rare Diseases, University of Cambridge
Classification: Likely pathogenic for Telangiectasia, hereditary hemorrhagic, type 2. Last evaluated: 2018-01-01. Review status: criteria provided, single submitter. Criteria: ACMG Guidelines, 2015. Collection method: research. Allele origin: unknown. Affected: yes. Observed: 1 variant allele.
Comment: PM2+PM1+PP4

ARUP Laboratories, Molecular Genetics and Genomics, ARUP Laboratories
Classification: Uncertain significance. Last evaluated: 2017-06-27. Review status: criteria provided, single submitter. Criteria: ARUP Molecular Germline Variant Investigation Process. Collection method: clinical testing. Allele origin: germline.
Comment: The ACVRL1 c.905T>C; p.Leu302Pro variant has not been reported in the literature or gene-specific databases. However, a different variant at this codon, p.Leu302Arg, has been reported to segregate with disease in a German family with hereditary hemorrhagic telangiectasia (Schulte 2005). The highly conserved leucine at codon 302 is located in the protein kinase domain, and computational algorithms (SIFT, PolyPhen2, MutationTaster) predict the p.Leu302Pro variant to be damaging to the protein. Due to the limited information regarding p.Leu302Pro, its clinical significance is uncertain at this time. REFERENCES Schulte C et al. High frequency of ENG and ALK1/ACVRL1 mutations in German HHT patients. Hum Mutat. 2005 Jun;25(6):595.

Literature cited by the submitters: PubMed 15880681 (cited by Ambry Genetics and Labcorp Genetics (formerly Invitae), Labcorp); PubMed 25557927 (cited by Ambry Genetics); PubMed 32573726 (cited by Ambry Genetics and NIHR Bioresource Rare Diseases, University of Cambridge).